The following is an entry in ClinVar:

NM_004722.4(AP4M1):c.59-14C>G

Gene: AP4M1 (adaptor related protein complex 4 subunit mu 1; plus strand). Cytogenetic location: 7q22.1.
Variant type: single nucleotide variant.
Coding change: c.59-14C>G on transcript NM_004722.4 (MANE Select); 14 bases into the intron before coding-DNA position 59, C replaced by G.
Molecular consequence: intron variant.
Genome position (GRCh38, 1-based): chr7:100,101,866, C>G. VCF-style: chr7-100101866-C-G. GRCh37 (hg19) VCF-style: chr7-99699489-C-G.
Other names: c.59-14C>G (NM_001363671.2).
Identifiers: ClinVar variation 682289 (VCV000682289.11), dbSNP rs202164434, ClinGen allele CA4374415.
Genomic context (GRCh38, chr7:100,101,866, plus strand): 5'-AGGGGCCGGGCGGGAGGGGCGCCCAGGGCCAGCCTGTGTCGCAGGATCCTTCACTGAGTC[C>G]TTCCACCCGCCAGTCCGCGGGGACAGTGGCGGCCGGGATGTGGCCGAGCTCTTCTACCGG-3'

ClinVar aggregate classification (germline): Likely benign. Review status: criteria provided, multiple submitters, no conflicts (2 of 4 stars). 3 submissions from 3 submitters: Likely benign (3). Last evaluated 2025-12-10.

Conditions:
Hereditary spastic paraplegia 50 (SPG50). Also called: Spastic paraplegia 50, autosomal recessive. Identifiers: Orphanet 280763, MedGen C2752008, MONDO:0013048, OMIM 612936.

Allele frequency attached by ClinVar (database versions not stated): gnomAD 0.00085 and 0.00086; gnomAD exomes 0.00091; ExAC 0.00096; TOPMed 0.00096; ESP Exome Variant Server 0.00139.

Submissions (4):

Labcorp Genetics (formerly Invitae), Labcorp
Classification: Likely benign for Hereditary spastic paraplegia 50. Last evaluated: 2025-12-10. Review status: criteria provided, single submitter. Criteria: Invitae Variant Classification Sherloc (09022015). Collection method: clinical testing. Allele origin: germline.

Blueprint Genetics
Classification: Likely benign. Last evaluated: 2024-11-08. Review status: criteria provided, single submitter. Criteria: ACMG Guidelines, 2015. Collection method: clinical testing. Allele origin: germline.

GeneDx
Classification: Likely benign. Last evaluated: 2018-04-24. Review status: criteria provided, single submitter. Criteria: GeneDx Variant Classification (06012015). Collection method: clinical testing. Allele origin: germline. Affected: yes.
Comment: This variant is considered likely benign or benign based on one or more of the following criteria: it is a conservative change, it occurs at a poorly conserved position in the protein, it is predicted to be benign by multiple in silico algorithms, and/or has population frequency not consistent with disease.

Dr. Peter K. Rogan Lab, Western University
No classification provided (evidence only). Condition: Ovarian serous cystadenocarcinoma. Review status: no classification provided. Collection method: in vitro. Allele origin: not applicable. Functional consequence: retained intron. Not counted in ClinVar's aggregate classification.